The following is an entry in ClinVar:

ClinVar aggregate classification (germline): Uncertain significance (1 of 4 stars; one submission).

Conditions:
Generalized epilepsy-paroxysmal dyskinesia syndrome (PNKD3). Also called: Generalized epilepsy and paroxysmal dyskinesia; Paroxysmal nonkinesigenic dyskinesia, 3, with or without generalized epilepsy. Identifiers: Orphanet 79137, MedGen C5574945, MONDO:0012276, OMIM 609446.

gnomAD v4.1: 2 of 1,613,982 alleles (0.00012%); highest among the groups gnomAD compares: Admixed American, 0.0017%; no homozygotes.

Submission:

Labcorp Genetics (formerly Invitae), Labcorp
Classification: Uncertain significance for Generalized epilepsy-paroxysmal dyskinesia syndrome. Last evaluated: 2020-03-23. Review status: criteria provided, single submitter. Criteria: Invitae Variant Classification Sherloc (09022015). Collection method: clinical testing. Allele origin: germline.
Comment: In summary, the available evidence is currently insufficient to determine the role of this variant in disease. Therefore, it has been classified as a Variant of Uncertain Significance. Algorithms developed to predict the effect of sequence changes on RNA splicing suggest that this variant may create or strengthen a splice site, but this prediction has not been confirmed by published transcriptional studies. Experimental studies and prediction algorithms are not available or were not evaluated, and the functional significance of this variant is currently unknown. This variant has not been reported in the literature in individuals with KCNMA1-related conditions. This variant is not present in population databases (ExAC no frequency). This sequence change results in a premature translational stop signal in the KCNMA1 gene (p.Tyr1172*). While this is not anticipated to result in nonsense mediated decay, it is expected to disrupt the last 7 amino acids of the KCNMA1 protein.

NM_001161352.2(KCNMA1):c.3690C>A (p.Tyr1230Ter)

Gene: KCNMA1 (potassium calcium-activated channel subfamily M alpha 1; minus strand). Cytogenetic location: 10q22.3.
Variant type: single nucleotide variant.
Coding change: c.3690C>A on transcript NM_001161352.2 (MANE Select); coding-DNA position 3690, C replaced by A.
Protein change: p.Tyr1230Ter; replaces tyrosine 1230 with a stop codon.
Molecular consequence: nonsense. On other transcripts: intron variant (7).
Genome position (GRCh38, 1-based): chr10:76,887,287, G>T on the plus strand (C>A on the coding strand, the complement: KCNMA1 is on the minus strand). VCF-style: chr10-76887287-G-T. GRCh37 (hg19) VCF-style: chr10-78647045-G-T.
Other names: c.3639C>A, p.Tyr1213Ter (NM_001161353.2); c.3606C>A, p.Tyr1202Ter (NM_001271519.2); c.3525C>A, p.Tyr1175Ter (NM_001322836.2); c.3609C>A, p.Tyr1203Ter (NM_001322837.2); c.3516C>A, p.Tyr1172Ter (NM_002247.4); c.3362+4C>A (NM_001271518.2); c.3512+4C>A (NM_001322832.2); c.3521+4C>A (NM_001322829.2); and 4 more; short protein forms Y1172*, Y1175*, Y1202*, Y1203*, Y1213*, Y1230*.
Identifiers: ClinVar variation 1010786 (VCV001010786.9), dbSNP rs199569326, ClinGen allele CA210076454.